The following is an entry in ClinVar:

ClinVar aggregate classification (germline): Likely pathogenic (1 of 4 stars; one submission).

Conditions:
Dilated cardiomyopathy 1G (CMD1G). Identifiers: Orphanet 154, MedGen C1858763, MONDO:0011400, OMIM 604145.
Autosomal recessive limb-girdle muscular dystrophy type 2J (LGMDR10). Also called: Limb-girdle muscular dystrophy, type 2J; MUSCULAR DYSTROPHY, LIMB-GIRDLE, AUTOSOMAL RECESSIVE 10. Identifiers: Orphanet 140922, MedGen C1837342, MONDO:0012127, OMIM 608807.

gnomAD v4.1: 1 of 1,524,274 alleles (0.000066%); highest among the groups gnomAD compares: Non-Finnish European, 0.000088%; no homozygotes.

Submission:

Labcorp Genetics (formerly Invitae), Labcorp
Classification: Likely pathogenic for Dilated cardiomyopathy 1G; Autosomal recessive limb-girdle muscular dystrophy type 2J. Last evaluated: 2020-06-13. Review status: criteria provided, single submitter. Criteria: Invitae Variant Classification Sherloc (09022015). Collection method: clinical testing. Allele origin: germline.
Comment: This variant is located in the A band of TTN (PMID: 25589632). Truncating variants in this region are significantly overrepresented in patients affected with dilated cardiomyopathy (PMID: 25589632). Truncating variants in this region have also been reported in individuals affected with autosomal recessive centronuclear myopathy (PMID: 23975875). This variant has not been reported in the literature in individuals with TTN-related conditions. This variant is not present in population databases (ExAC no frequency). This sequence change results in a premature translational stop signal in the TTN gene (p.Tyr18578*). While this is not anticipated to result in nonsense mediated decay, it is expected to create a truncated TTN protein. In summary, the currently available evidence indicates that the variant is pathogenic, but additional data are needed to prove that conclusively. Therefore, this variant has been classified as Likely Pathogenic.

Literature cited by the submitters: PubMed 25589632; PubMed 23975875.

NM_001267550.2(TTN):c.55734T>A (p.Tyr18578Ter)

Genes: TTN-AS1 (TTN antisense RNA 1; plus strand), TTN (titin; minus strand). Cytogenetic location: 2q31.2.
Variant type: single nucleotide variant.
Coding change: c.55734T>A on transcript NM_001267550.2 (MANE Select); coding-DNA position 55734, T replaced by A.
Protein change: p.Tyr18578Ter; replaces tyrosine 18578 with a stop codon.
Molecular consequence: nonsense.
Genome position (GRCh38, 1-based): chr2:178,601,170, A>T on the plus strand (T>A on the coding strand, the complement: TTN is on the minus strand). VCF-style: chr2-178601170-A-T. GRCh37 (hg19) VCF-style: chr2-179465897-A-T.
Other names: c.50811T>A, p.Tyr16937Ter (NM_001256850.1); c.28539T>A, p.Tyr9513Ter (NM_003319.4); c.48030T>A, p.Tyr16010Ter (NM_133378.4); c.28914T>A, p.Tyr9638Ter (NM_133432.3); c.29115T>A, p.Tyr9705Ter (NM_133437.4); short protein forms Y16010*, Y16937*, Y18578*, Y9513*, Y9638*, Y9705*.
Identifiers: ClinVar variation 1065901 (VCV001065901.9), dbSNP rs2154192691, ClinGen allele CA349538176.